The following is an entry in ClinVar:

NM_138694.4(PKHD1):c.10859_10860del (p.Arg3620fs)

Gene: PKHD1 (PKHD1 ciliary IPT domain containing fibrocystin/polyductin; minus strand). Cytogenetic location: 6p12.3.
Variant type: Microsatellite.
Coding change: c.10859_10860del on transcript NM_138694.4 (MANE Select); coding-DNA positions 10859 to 10860, 2 bases deleted (GC; older notation c.10859_10860delGC).
Protein change: p.Arg3620fs; shifts the reading frame from arginine 3620.
Molecular consequence: frameshift variant.
Genome position (GRCh38, 1-based): chr6:51,659,266-51,659,267, GC deleted on the plus strand (GC on the coding strand, the reverse complement: PKHD1 is on the minus strand); deleting any 2 consecutive bases within chr6:51,659,266-51,659,269 gives the same sequence; the c. name uses the placement nearest the transcript's 3' end. VCF-style (leftmost placement, unchanged base first): chr6-51659265-TGC-T. GRCh37 (hg19) VCF-style: chr6-51524063-TGC-T.
Other names: c.10859_10860delGC (NM_138694.3); short protein forms R3620fs.
Identifiers: ClinVar variation 929253 (VCV000929253.13), dbSNP rs1562040783, ClinGen allele CA567635978.

ClinVar aggregate classification (germline): Pathogenic/Likely pathogenic. Review status: criteria provided, multiple submitters, no conflicts (2 of 4 stars). 7 submissions from 7 submitters: Pathogenic (2); Likely pathogenic (4). 1 of the submissions does not count toward it. Last evaluated 2025-10-14.

Conditions:
PKHD1-related disorder. Also called: PKHD1-related condition.
Autosomal recessive polycystic kidney disease (ARPKD). Also called: AR polycystic kidney disease. Identifiers: Orphanet 731, Orphanet 8378, MedGen C0085548, MeSH D017044, MONDO:0009889.
Polycystic kidney disease 4 (PKD4). Also called: PKD3; POLYCYSTIC KIDNEY AND HEPATIC DISEASE 1; POLYCYSTIC KIDNEY DISEASE, INFANTILE, TYPE I; POLYCYSTIC KIDNEY DISEASE 4 WITH OR WITHOUT POLYCYSTIC LIVER DISEASE; Autosomal Recessive Polycystic Kidney Disease – PKHD1. Identifiers: MedGen C4540575, MONDO:0033004, OMIM 263200.

Submissions (7):

Natera, Inc.
Classification: Likely pathogenic for Autosomal recessive polycystic kidney disease. Last evaluated: 2025-10-14. Review status: criteria provided, single submitter. Criteria: Natera Variant Classification Schema (03/2026). Collection method: clinical testing. Allele origin: germline.
Comment: The c.10859_10860delGC variant in PKHD1 is a frameshift variant predicted to shift the reading frame beginning at codon 3620 and leads to a stop codon 9 codons downstream. This variant is expected to result in nonsense mediated decay, truncation, or a dysfunctional protein product. This variant is rare in the general population with a frequency below the threshold expected for the associated phenotype(s). Given the available evidence, this variant is classified as Likely Pathogenic.

Fulgent Genetics
Classification: Likely pathogenic for Polycystic kidney disease 4. Last evaluated: 2024-06-15. Review status: criteria provided, single submitter. Criteria: ACMG Guidelines, 2015. Collection method: clinical testing. Allele origin: germline.

ARUP Laboratories, Molecular Genetics and Genomics, ARUP Laboratories
Classification: Pathogenic for Polycystic kidney disease 4. Last evaluated: 2024-01-30. Review status: criteria provided, single submitter. Criteria: ARUP Molecular Germline Variant Investigation Process 2024. Collection method: clinical testing. Allele origin: germline.
Comment: The PKHD1 c.10859_10860del; p.Arg3620GlnfsTer9 variant (rs1562040783), to our knowledge, is not reported in the medical literature but is reported in ClinVar (Variation ID: 929253 ). This variant is only observed on one allele in the Genome Aggregation Database (v2.1.1), indicating it is not a common polymorphism. This variant induces an early termination codon in exon 61 (out of 67) and is predicted to result in a truncated protein or mRNA subject to nonsense-mediated decay. Similar frameshift variants in downstream exons have been reported in individuals with clinical suspicion of autosomal recessive polycystic kidney disease (Losekoot 2005). Based on available information, this variant is considered to be pathogenic. References: Losekoot M et al. Analysis of missense variants in the PKHD1-gene in patients with autosomal recessive polycystic kidney disease (ARPKD). Hum Genet. 2005 Nov;118(2):185-206. PMID: 16133180.

Labcorp Genetics (formerly Invitae), Labcorp
Classification: Pathogenic for Autosomal recessive polycystic kidney disease. Last evaluated: 2023-01-04. Review status: criteria provided, single submitter. Criteria: Invitae Variant Classification Sherloc (09022015). Collection method: clinical testing. Allele origin: germline.
Comment: For these reasons, this variant has been classified as Pathogenic. ClinVar contains an entry for this variant (Variation ID: 929253). This variant has not been reported in the literature in individuals affected with PKHD1-related conditions. This variant is present in population databases (no rsID available, gnomAD 0.003%). This sequence change creates a premature translational stop signal (p.Arg3620Glnfs*9) in the PKHD1 gene. It is expected to result in an absent or disrupted protein product. Loss-of-function variants in PKHD1 are known to be pathogenic (PMID: 19940839).

Baylor Genetics
Classification: Likely pathogenic for Polycystic kidney disease 4. Last evaluated: 2021-11-22. Review status: criteria provided, single submitter. Criteria: ACMG Guidelines, 2015. Collection method: clinical testing. Allele origin: unknown.

Women's Health and Genetics/Laboratory Corporation of America, LabCorp
Classification: Likely pathogenic for Autosomal recessive polycystic kidney disease. Last evaluated: 2019-11-11. Review status: criteria provided, single submitter. Criteria: LabCorp Variant Classification Summary - May 2015. Collection method: clinical testing. Allele origin: germline.
Comment: Variant summary: PKHD1 c.10859_10860delGC (p.Arg3620GlnfsX9) results in a premature termination codon, predicted to cause a truncation of the encoded protein or absence of the protein due to nonsense mediated decay, which are commonly known mechanisms for disease. Truncations downstream of this position have been classified as pathogenic by our laboratory (eg. c.11314C>T (p.Arg3772X)). The variant allele was found at a frequency of 4e-06 in 250950 control chromosomes (gnomAD). To our knowledge, no occurrence of c.10859_10860delGC in individuals affected with Polycystic Kidney and Hepatic Disease and no experimental evidence demonstrating its impact on protein function have been reported. No clinical diagnostic laboratories have submitted clinical-significance assessments for this variant to ClinVar after 2014. Based on the evidence outlined above, the variant was classified as likely pathogenic.

PreventionGenetics, part of Exact Sciences
Classification: Likely pathogenic for PKHD1-related condition. Last evaluated: 2024-04-18. Review status: no assertion criteria provided. Collection method: clinical testing. Allele origin: germline. Not counted in ClinVar's aggregate classification.
Comment: The PKHD1 c.10859_10860delGC variant is predicted to result in a frameshift and premature protein termination (p.Arg3620Glnfs*9). To our knowledge, this variant has not been reported in the literature. This variant is reported in 0.0029% of alleles in individuals of Latino descent in gnomAD. Frameshift variants in PKHD1 are expected to be pathogenic. This variant is interpreted as likely pathogenic.

Literature cited by the submitters: PubMed 19940839 (cited by Labcorp Genetics (formerly Invitae), Labcorp).